The following is an entry in ClinVar:

NM_153252.5(BRWD3):c.2315C>G (p.Thr772Ser)

Gene: BRWD3 (bromodomain and WD repeat domain containing 3; minus strand). Cytogenetic location: Xq21.1.
Variant type: single nucleotide variant.
Coding change: c.2315C>G on transcript NM_153252.5 (MANE Select); coding-DNA position 2315, C replaced by G.
Protein change: p.Thr772Ser; replaces threonine 772 with serine.
Molecular consequence: missense variant.
Genome position (GRCh38, 1-based): chrX:80,716,167, G>C on the plus strand (C>G on the coding strand, the complement: BRWD3 is on the minus strand). VCF-style: chrX-80716167-G-C. GRCh37 (hg19) VCF-style: chrX-79971666-G-C.
Other names: short protein forms T772S.
Identifiers: ClinVar variation 2999788 (VCV002999788.3), dbSNP rs1194724264, ClinGen allele CA413632051.

ClinVar aggregate classification (germline): Uncertain significance (1 of 4 stars; one submission).

Submission:

Labcorp Genetics (formerly Invitae), Labcorp
Classification: Uncertain significance. Last evaluated: 2025-06-23. Review status: criteria provided, single submitter. Criteria: Invitae Variant Classification Sherloc (09022015). Collection method: clinical testing. Allele origin: germline.
Comment: This sequence change replaces threonine, which is neutral and polar, with serine, which is neutral and polar, at codon 772 of the BRWD3 protein (p.Thr772Ser). This variant is not present in population databases (gnomAD no frequency). This variant has not been reported in the literature in individuals affected with BRWD3-related conditions. ClinVar contains an entry for this variant (Variation ID: 2999788). Invitae Evidence Modeling of protein sequence and biophysical properties (such as structural, functional, and spatial information, amino acid conservation, physicochemical variation, residue mobility, and thermodynamic stability) indicates that this missense variant is not expected to disrupt BRWD3 protein function with a negative predictive value of 80%. In summary, the available evidence is currently insufficient to determine the role of this variant in disease. Therefore, it has been classified as a Variant of Uncertain Significance.